The following is an entry in ClinVar:

ClinVar aggregate classification (germline): Uncertain significance (1 of 4 stars; one submission).

Conditions:
Inborn genetic diseases. Identifiers: MedGen C0950123, MeSH D030342.

Allele frequency attached by ClinVar (database versions not stated): TOPMed 0.00002.
gnomAD v4.1: 6 of 1,611,790 alleles (0.00037%); highest among the groups gnomAD compares: Non-Finnish European, 0.00051%; no homozygotes.

Submission:

Ambry Genetics
Classification: Uncertain significance for Inborn genetic diseases. Last evaluated: 2023-07-05. Review status: criteria provided, single submitter. Criteria: Ambry Variant Classification Scheme 2023. Collection method: clinical testing. Allele origin: germline.
Comment: The p.N1241K variant (also known as c.3723C>G), located in coding exon 19 of the ATR gene, results from a C to G substitution at nucleotide position 3723. The asparagine at codon 1241 is replaced by lysine, an amino acid with similar properties. This amino acid position is conserved. In addition, this alteration is predicted to be tolerated by in silico analysis. Since supporting evidence is limited at this time, the clinical significance of this alteration remains unclear.

NM_001184.4(ATR):c.3723C>G (p.Asn1241Lys)

Gene: ATR (ATR checkpoint kinase; minus strand). Cytogenetic location: 3q23.
Variant type: single nucleotide variant.
Coding change: c.3723C>G on transcript NM_001184.4 (MANE Select); coding-DNA position 3723, C replaced by G.
Protein change: p.Asn1241Lys; replaces asparagine 1241 with lysine.
Molecular consequence: missense variant.
Genome position (GRCh38, 1-based): chr3:142,538,484, G>C on the plus strand (C>G on the coding strand, the complement: ATR is on the minus strand). VCF-style: chr3-142538484-G-C. GRCh37 (hg19) VCF-style: chr3-142257326-G-C.
Other names: c.3531C>G, p.Asn1177Lys (NM_001354579.2); short protein forms N1241K, N1177K.
Identifiers: ClinVar variation 1734310 (VCV001734310.3), dbSNP rs914611293, ClinGen allele CA84734019.